The following is an entry in ClinVar:

ClinVar aggregate classification (germline): Uncertain significance (1 of 4 stars; one submission).

Submission:

Labcorp Genetics (formerly Invitae), Labcorp
Classification: Uncertain significance. Last evaluated: 2024-06-18. Review status: criteria provided, single submitter. Criteria: Invitae Variant Classification Sherloc (09022015). Collection method: clinical testing. Allele origin: germline.
Comment: This sequence change replaces arginine, which is basic and polar, with tryptophan, which is neutral and slightly polar, at codon 1131 of the SIN3A protein (p.Arg1131Trp). This variant is present in population databases (rs774601051, gnomAD 0.01%). This variant has not been reported in the literature in individuals affected with SIN3A-related conditions. Advanced modeling of protein sequence and biophysical properties (such as structural, functional, and spatial information, amino acid conservation, physicochemical variation, residue mobility, and thermodynamic stability) performed at Invitae indicates that this missense variant is not expected to disrupt SIN3A protein function with a negative predictive value of 80%. In summary, the available evidence is currently insufficient to determine the role of this variant in disease. Therefore, it has been classified as a Variant of Uncertain Significance.

NM_001145358.2(SIN3A):c.3391C>T (p.Arg1131Trp)

Gene: SIN3A (SIN3 transcription regulator family member A; minus strand). Cytogenetic location: 15q24.2.
Variant type: single nucleotide variant.
Coding change: c.3391C>T on transcript NM_001145358.2 (MANE Select); coding-DNA position 3391, C replaced by T.
Protein change: p.Arg1131Trp; replaces arginine 1131 with tryptophan.
Molecular consequence: missense variant.
Genome position (GRCh38, 1-based): chr15:75,375,865, G>A on the plus strand (C>T on the coding strand, the complement: SIN3A is on the minus strand). VCF-style: chr15-75375865-G-A. GRCh37 (hg19) VCF-style: chr15-75668206-G-A.
Other names: c.3391C>T, p.Arg1131Trp (NM_001145357.2, NM_015477.3); short protein forms R1131W.
Identifiers: ClinVar variation 3688463 (VCV003688463.2).